The following is an entry in ClinVar:

NM_032608.7(MYO18B):c.5593C>T (p.His1865Tyr)

Gene: MYO18B (myosin XVIIIB; plus strand). Cytogenetic location: 22q12.1.
Variant type: single nucleotide variant.
Coding change: c.5593C>T on transcript NM_032608.7 (MANE Select); coding-DNA position 5593, C replaced by T.
Protein change: p.His1865Tyr; replaces histidine 1865 with tyrosine.
Molecular consequence: missense variant.
Genome position (GRCh38, 1-based): chr22:25,946,212, C>T. VCF-style: chr22-25946212-C-T. GRCh37 (hg19) VCF-style: chr22-26342178-C-T.
Other names: c.5596C>T, p.His1866Tyr (NM_001318245.2); c.5593C>T (NM_032608.5); short protein forms H1865Y, H1866Y.
Identifiers: ClinVar variation 1952845 (VCV001952845.6), dbSNP rs1458542240, ClinGen allele CA411007781.
Genomic context (GRCh38, chr22:25,946,212, plus strand): 5'-GCCAAGTGTGAGGAGGCCTTGAAGACGCAGAAGGTGCTCACAGCGGACCTGGAGAGCATG[C>T]ACAGCGAGCTGGAGAACATGACGCGGAACAAGAGCCTGGTACCTGTCCCTTCCTGCAGCT-3'
Protein context (NP_115997.5, residues 1855-1875): KVLTADLESM[His1865Tyr]SELENMTRNK

ClinVar aggregate classification (germline): Uncertain significance. Review status: criteria provided, multiple submitters, no conflicts (2 of 4 stars). 2 submissions from 2 submitters: Uncertain significance (2). Last evaluated 2025-10-18.

Conditions:
Inborn genetic diseases. Identifiers: MedGen C0950123, MeSH D030342.

Allele frequency attached by ClinVar (database versions not stated): TOPMed 0.00001.

Submissions (2):

Ambry Genetics
Classification: Uncertain significance for Inborn genetic diseases. Last evaluated: 2025-10-18. Review status: criteria provided, single submitter. Criteria: Ambry Variant Classification Scheme 2023. Collection method: clinical testing. Allele origin: germline.

Labcorp Genetics (formerly Invitae), Labcorp
Classification: Uncertain significance. Last evaluated: 2022-01-01. Review status: criteria provided, single submitter. Criteria: Invitae Variant Classification Sherloc (09022015). Collection method: clinical testing. Allele origin: germline.
Comment: In summary, the available evidence is currently insufficient to determine the role of this variant in disease. Therefore, it has been classified as a Variant of Uncertain Significance. Algorithms developed to predict the effect of missense changes on protein structure and function are either unavailable or do not agree on the potential impact of this missense change (SIFT: "Not Available"; PolyPhen-2: "Possibly Damaging"; Align-GVGD: "Not Available"). This variant has not been reported in the literature in individuals affected with MYO18B-related conditions. The frequency data for this variant in the population databases is considered unreliable, as metrics indicate poor data quality at this position in the gnomAD database. This sequence change replaces histidine, which is basic and polar, with tyrosine, which is neutral and polar, at codon 1865 of the MYO18B protein (p.His1865Tyr).